The following is an entry in ClinVar:

NM_025233.7(COASY):c.884G>C (p.Gly295Ala)

Gene: COASY (Coenzyme A synthase; plus strand). Cytogenetic location: 17q21.2.
Variant type: single nucleotide variant.
Coding change: c.884G>C on transcript NM_025233.7 (MANE Select); coding-DNA position 884, G replaced by C.
Protein change: p.Gly295Ala; replaces glycine 295 with alanine.
Molecular consequence: missense variant.
Genome position (GRCh38, 1-based): chr17:42,564,144, G>C. VCF-style: chr17-42564144-G-C. GRCh37 (hg19) VCF-style: chr17-40716162-G-C.
Other names: c.884G>C, p.Gly295Ala (NM_001042529.3); c.971G>C, p.Gly324Ala (NM_001042532.4); short protein forms G295A, G324A.
Identifiers: ClinVar variation 1716999 (VCV001716999.6), dbSNP rs2510680736, ClinGen allele CA399595822.

ClinVar aggregate classification (germline): Uncertain significance (1 of 4 stars; one submission).

Conditions:
Neurodegeneration with brain iron accumulation 6 (NBIA6). Also called: COASY protein-associated neurodegeneration. Identifiers: Orphanet 397725, MedGen C4517377, MONDO:0014290, OMIM 615643.

Submission:

Labcorp Genetics (formerly Invitae), Labcorp
Classification: Uncertain significance for Neurodegeneration with brain iron accumulation 6. Last evaluated: 2024-06-03. Review status: criteria provided, single submitter. Criteria: Invitae Variant Classification Sherloc (09022015). Collection method: clinical testing. Allele origin: germline.
Comment: This sequence change replaces glycine, which is neutral and non-polar, with alanine, which is neutral and non-polar, at codon 295 of the COASY protein (p.Gly295Ala). This variant is not present in population databases (gnomAD no frequency). This variant has not been reported in the literature in individuals affected with COASY-related conditions. ClinVar contains an entry for this variant (Variation ID: 1716999). Advanced modeling of protein sequence and biophysical properties (such as structural, functional, and spatial information, amino acid conservation, physicochemical variation, residue mobility, and thermodynamic stability) performed at Invitae indicates that this missense variant is not expected to disrupt COASY protein function with a negative predictive value of 80%. In summary, the available evidence is currently insufficient to determine the role of this variant in disease. Therefore, it has been classified as a Variant of Uncertain Significance.